The following is an entry in ClinVar:

ClinVar aggregate classification (germline): Uncertain significance (1 of 4 stars; one submission).

gnomAD v4.1: 38 of 1,551,526 alleles (0.0024%); highest among the groups gnomAD compares: East Asian, 0.09%; no homozygotes.

Submission:

Labcorp Genetics (formerly Invitae), Labcorp
Classification: Uncertain significance. Last evaluated: 2025-09-10. Review status: criteria provided, single submitter. Criteria: Invitae Variant Classification Sherloc (09022015). Collection method: clinical testing. Allele origin: germline.
Comment: This sequence change replaces glycine, which is neutral and non-polar, with valine, which is neutral and non-polar, at codon 1414 of the NIN protein (p.Gly1414Val). This variant is present in population databases (rs775121877, gnomAD 0.1%), and has an allele count higher than expected for a pathogenic variant. This variant has not been reported in the literature in individuals affected with NIN-related conditions. An algorithm developed to predict the effect of missense changes on protein structure and function (PolyPhen-2) suggests that this variant is likely to be tolerated. In summary, the available evidence is currently insufficient to determine the role of this variant in disease. Therefore, it has been classified as a Variant of Uncertain Significance.

NM_020921.4(NIN):c.4241G>T (p.Gly1414Val)

Gene: NIN (ninein; minus strand). Cytogenetic location: 14q22.1.
Variant type: single nucleotide variant.
Coding change: c.4241G>T on transcript NM_020921.4 (MANE Select); coding-DNA position 4241, G replaced by T.
Protein change: p.Gly1414Val; replaces glycine 1414 with valine.
Molecular consequence: missense variant. On other transcripts: intron variant (1).
Genome position (GRCh38, 1-based): chr14:50,756,789, C>A on the plus strand (G>T on the coding strand, the complement: NIN is on the minus strand). VCF-style: chr14-50756789-C-A. GRCh37 (hg19) VCF-style: chr14-51223507-C-A.
Other names: c.4241G>T, p.Gly1414Val (NM_182944.3, NM_182946.2); c.2400-1922G>T (NM_016350.5); short protein forms G1414V.
Identifiers: ClinVar variation 4697863 (VCV004697863.1).